The following is an entry in ClinVar:

ClinVar aggregate classification (germline): Uncertain significance (1 of 4 stars; one submission).

Conditions:
Pyogenic arthritis-pyoderma gangrenosum-acne syndrome (PAPA). Also called: FAMILIAL RECURRENT ARTHRITIS; PAPA SYNDROME. Identifiers: Orphanet 69126, MedGen C1858361, MONDO:0011462, OMIM 604416.

Submission:

Labcorp Genetics (formerly Invitae), Labcorp
Classification: Uncertain significance for Pyogenic arthritis-pyoderma gangrenosum-acne syndrome. Last evaluated: 2026-01-27. Review status: criteria provided, single submitter. Criteria: Invitae Variant Classification Sherloc (09022015). Collection method: clinical testing. Allele origin: germline.
Comment: This sequence change is expected to alter the c-terminus of the PSTPIP1 protein (p.Glu391Glyfs*71). While this is not anticipated to result in nonsense mediated decay, it is expected to disrupt the last 26 amino acid(s) of the PSTPIP1 protein and extend the protein by 44 additional amino acid residues. This variant is not present in population databases (gnomAD no frequency). This variant has not been reported in the literature in individuals affected with PSTPIP1-related conditions. Experimental studies and prediction algorithms are not available or were not evaluated, and the functional significance of this variant is currently unknown. In summary, the available evidence is currently insufficient to determine the role of this variant in disease. Therefore, it has been classified as a Variant of Uncertain Significance.

NM_003978.5(PSTPIP1):c.1172_1176del (p.Glu391fs)

Gene: PSTPIP1 (proline-serine-threonine phosphatase interacting protein 1; plus strand). Cytogenetic location: 15q24.3.
Variant type: Deletion.
Coding change: c.1172_1176del on transcript NM_003978.5 (MANE Select); coding-DNA positions 1172 to 1176, 5 bases deleted (AAGGG; older notation c.1172_1176delAAGGG).
Protein change: p.Glu391fs; shifts the reading frame from glutamic acid 391.
Molecular consequence: frameshift variant. On other transcripts: non-coding transcript variant (1).
Genome position (GRCh38, 1-based): chr15:77,037,097-77,037,101, AAGGG deleted; deleting any 5 consecutive bases within chr15:77,037,095-77,037,101 gives the same sequence; the c. name uses the placement nearest the transcript's 3' end. VCF-style (leftmost placement, unchanged base first): chr15-77037094-TGGAAG-T. GRCh37 (hg19) VCF-style: chr15-77329435-TGGAAG-T.
Other names: c.1115_1119del, p.Glu372fs (NM_001321135.2); c.1145_1149del, p.Glu382fs (NM_001321136.2); c.1367_1371del, p.Glu456fs (NM_001321137.1); c.1163_1167del, p.Glu388fs (NM_001411086.1); short protein forms E391fs, E388fs, E372fs, E456fs, E382fs.
Identifiers: ClinVar variation 4763670 (VCV004763670.1).
Genomic context (GRCh38, chr15:77,037,094, plus strand): 5'-CTCTTGGCCAGAACCCAGATGAGCTGGACCTGTCCGCGGGAGACATCCTGGAGGTGATCC[TGGAAG>T]GGGAGGATGGCTGGTGGACTGTGGAGAGGAACGGGCAGCGTGGCTTCGTCCCTGGTTCCT-3'